The following is an entry in ClinVar:

ClinVar aggregate classification (germline): Uncertain significance. Review status: criteria provided, multiple submitters, no conflicts (2 of 4 stars). 2 submissions from 2 submitters: Uncertain significance (2). Last evaluated 2025-10-21.

Conditions:
Inborn genetic diseases. Identifiers: MedGen C0950123, MeSH D030342.

Allele frequency attached by ClinVar (database versions not stated): TOPMed below 0.00001; gnomAD 0.00001; gnomAD exomes 0.00001; ExAC 0.00002; 1000 Genomes Project 30x 0.00016; 1000 Genomes Project 0.00020.
gnomAD v4.1: 13 of 1,614,184 alleles (0.00081%); highest among the groups gnomAD compares: Non-Finnish European, 0.0011%; no homozygotes.

Submissions (2):

Ambry Genetics
Classification: Uncertain significance for Inborn genetic diseases. Last evaluated: 2025-10-21. Review status: criteria provided, single submitter. Criteria: Ambry Variant Classification Scheme 2023. Collection method: clinical testing. Allele origin: germline.
Comment: The c.164T>C (p.M55T) alteration is located in exon 2 (coding exon 2) of the CLTC gene. This alteration results from a T to C substitution at nucleotide position 164, causing the methionine (M) at amino acid position 55 to be replaced by a threonine (T). Based on data from gnomAD, the C allele has an overall frequency of 0.001% (2/251398) total alleles studied. The highest observed frequency was 0.002% (2/113700) of European (non-Finnish) alleles. Based on insufficient or conflicting evidence, the clinical significance of this alteration remains unclear.

Labcorp Genetics (formerly Invitae), Labcorp
Classification: Uncertain significance. Last evaluated: 2022-08-31. Review status: criteria provided, single submitter. Criteria: Invitae Variant Classification Sherloc (09022015). Collection method: clinical testing. Allele origin: germline.
Comment: In summary, the available evidence is currently insufficient to determine the role of this variant in disease. Therefore, it has been classified as a Variant of Uncertain Significance. Algorithms developed to predict the effect of missense changes on protein structure and function are either unavailable or do not agree on the potential impact of this missense change (SIFT: "Deleterious"; PolyPhen-2: "Not Available"; Align-GVGD: "Class C0"). This variant has not been reported in the literature in individuals affected with CLTC-related conditions. This variant is present in population databases (rs201677846, gnomAD 0.003%). This sequence change replaces methionine, which is neutral and non-polar, with threonine, which is neutral and polar, at codon 55 of the CLTC protein (p.Met55Thr).

NM_004859.4(CLTC):c.164T>C (p.Met55Thr)

Gene: CLTC (clathrin heavy chain; plus strand). Cytogenetic location: 17q23.1.
Variant type: single nucleotide variant.
Coding change: c.164T>C on transcript NM_004859.4 (MANE Select); coding-DNA position 164, T replaced by C.
Protein change: p.Met55Thr; replaces methionine 55 with threonine.
Molecular consequence: missense variant.
Genome position (GRCh38, 1-based): chr17:59,644,397, T>C. VCF-style: chr17-59644397-T-C. GRCh37 (hg19) VCF-style: chr17-57721758-T-C.
Other names: c.164T>C, p.Met55Thr (NM_001288653.2); c.164T>C (NM_004859.3); short protein forms M55T.
Identifiers: ClinVar variation 2038453 (VCV002038453.5), dbSNP rs201677846, ClinGen allele CA8680990.